The following is an entry in ClinVar:

NM_001130009.3(GEN1):c.2287G>A (p.Val763Ile)

Gene: GEN1 (GEN1 Holliday junction 5' flap endonuclease; plus strand). Cytogenetic location: 2p24.2.
Variant type: single nucleotide variant.
Coding change: c.2287G>A on transcript NM_001130009.3 (MANE Select); coding-DNA position 2287, G replaced by A.
Protein change: p.Val763Ile; replaces valine 763 with isoleucine.
Molecular consequence: missense variant.
Genome position (GRCh38, 1-based): chr2:17,781,499, G>A. VCF-style: chr2-17781499-G-A. GRCh37 (hg19) VCF-style: chr2-17962766-G-A.
Other names: c.2287G>A, p.Val763Ile (NM_182625.5); short protein forms V763I.
Identifiers: ClinVar variation 4029208 (VCV004029208.1).

ClinVar aggregate classification (germline): Uncertain significance (1 of 4 stars; one submission).

gnomAD v4.1: 3 of 1,613,584 alleles (0.00019%); highest among the groups gnomAD compares: Non-Finnish European, 0.00025%; no homozygotes.

Submission:

Ambry Genetics
Classification: Uncertain significance. Last evaluated: 2025-04-06. Review status: criteria provided, single submitter. Criteria: Ambry Variant Classification Scheme 2023. Collection method: clinical testing. Allele origin: germline.
Comment: The p.V763I variant (also known as c.2287G>A), located in coding exon 13 of the GEN1 gene, results from a G to A substitution at nucleotide position 2287. The valine at codon 763 is replaced by isoleucine, an amino acid with highly similar properties. This amino acid position is conserved. In addition, this alteration is predicted to be tolerated by in silico analysis. Based on the available evidence, the clinical significance of this variant remains unclear.